The following is an entry in ClinVar:

ClinVar aggregate classification (germline): Uncertain significance. Review status: criteria provided, multiple submitters, no conflicts (2 of 4 stars). 2 submissions from 2 submitters: Uncertain significance (2). Last evaluated 2023-03-01.

Conditions:
Arthrogryposis, renal dysfunction, and cholestasis 1 (ARCS1). Identifiers: Orphanet 2697, MedGen C1859722, MONDO:0008822, OMIM 208085.

Allele frequency attached by ClinVar (database versions not stated): gnomAD 0.00001; gnomAD exomes 0.00001 and 0.00002; TOPMed 0.00001; ExAC 0.00002.
gnomAD v4.1: 15 of 1,614,070 alleles (0.00093%); highest among the groups gnomAD compares: African/African-American, 0.0053%; no homozygotes.

Submissions (2):

Mayo Clinic Laboratories, Mayo Clinic
Classification: Uncertain significance. Last evaluated: 2023-03-01. Review status: criteria provided, single submitter. Criteria: ACMG Guidelines, 2015. Collection method: clinical testing. Allele origin: germline. Observed: 1 variant allele.
Comment: PM2

Illumina Laboratory Services, Illumina
Classification: Uncertain significance for Arthrogryposis, renal dysfunction, and cholestasis 1. Last evaluated: 2018-01-13. Review status: criteria provided, single submitter. Criteria: ICSL Variant Classification Criteria 13 December 2019. Collection method: clinical testing. Allele origin: germline.

NM_018668.5(VPS33B):c.1165C>T (p.Arg389Trp)

Gene: VPS33B (VPS33B late endosome and lysosome associated; minus strand). Cytogenetic location: 15q26.1.
Variant type: single nucleotide variant.
Coding change: c.1165C>T on transcript NM_018668.5 (MANE Select); coding-DNA position 1165, C replaced by T.
Protein change: p.Arg389Trp; replaces arginine 389 with tryptophan.
Molecular consequence: missense variant.
Genome position (GRCh38, 1-based): chr15:91,005,060, G>A on the plus strand (C>T on the coding strand, the complement: VPS33B is on the minus strand). VCF-style: chr15-91005060-G-A. GRCh37 (hg19) VCF-style: chr15-91548290-G-A.
Other names: p.Arg389Trp; c.1165C>T (NM_018668.4); c.1084C>T, p.Arg362Trp (NM_001289148.1); c.892C>T, p.Arg298Trp (NM_001289149.1); short protein forms R389W, R298W, R362W.
Identifiers: ClinVar variation 887775 (VCV000887775.5), dbSNP rs778274271, ClinGen allele CA7744771.
Genomic context (GRCh38, chr15:91,005,060, plus strand): 5'-GCCGACCCCACCTCTAAATGCCATTCTTGGCACCCCCAGCCCTCCACCTGCGCACCTGCC[G>A]GTCTATGTGTTCCTCAATGTAGCTGGTGCTCTCCCGGATGTTGAACCCCTCTAGCAGTGC-3'
Protein context (NP_061138.3, residues 379-399): STSYIEEHID[Arg389Trp]QVSPIESLRL